The following is an entry in ClinVar:

NM_032387.5(WNK4):c.3281C>G (p.Pro1094Arg)

Gene: WNK4 (WNK lysine deficient protein kinase 4; plus strand). Cytogenetic location: 17q21.2.
Variant type: single nucleotide variant.
Coding change: c.3281C>G on transcript NM_032387.5 (MANE Select); coding-DNA position 3281, C replaced by G.
Protein change: p.Pro1094Arg; replaces proline 1094 with arginine.
Molecular consequence: missense variant.
Genome position (GRCh38, 1-based): chr17:42,795,883, C>G. VCF-style: chr17-42795883-C-G. GRCh37 (hg19) VCF-style: chr17-40947901-C-G.
Other names: c.2273C>G, p.Pro758Arg (NM_001321299.2); short protein forms P1094R, P758R.
Identifiers: ClinVar variation 2338150 (VCV002338150.4), dbSNP rs371930924, ClinGen allele CA8584553.

ClinVar aggregate classification (germline): Uncertain significance. Review status: criteria provided, multiple submitters, no conflicts (2 of 4 stars). 2 submissions from 2 submitters: Uncertain significance (2). Last evaluated 2026-02-01.

Conditions:
Inborn genetic diseases. Identifiers: MedGen C0950123, MeSH D030342.

Allele frequency attached by ClinVar (database versions not stated): ExAC 0.00002; gnomAD 0.00003; TOPMed 0.00004; ESP Exome Variant Server 0.00008.
gnomAD v4.1: 8 of 1,611,668 alleles (0.0005%); highest among the groups gnomAD compares: African/African-American, 0.0094%; no homozygotes.

Submissions (2):

Labcorp Genetics (formerly Invitae), Labcorp
Classification: Uncertain significance. Last evaluated: 2026-02-01. Review status: criteria provided, single submitter. Criteria: Invitae Variant Classification Sherloc (09022015). Collection method: clinical testing. Allele origin: germline.
Comment: This sequence change replaces proline, which is neutral and non-polar, with arginine, which is basic and polar, at codon 1094 of the WNK4 protein (p.Pro1094Arg). This variant is present in population databases (rs371930924, gnomAD 0.02%). This variant has not been reported in the literature in individuals affected with WNK4-related conditions. ClinVar contains an entry for this variant (Variation ID: 2338150). Invitae Evidence Modeling of protein sequence and biophysical properties (such as structural, functional, and spatial information, amino acid conservation, physicochemical variation, residue mobility, and thermodynamic stability) indicates that this missense variant is not expected to disrupt WNK4 protein function with a negative predictive value of 95%. In summary, the available evidence is currently insufficient to determine the role of this variant in disease. Therefore, it has been classified as a Variant of Uncertain Significance.

Ambry Genetics
Classification: Uncertain significance for Inborn genetic diseases. Last evaluated: 2025-01-15. Review status: criteria provided, single submitter. Criteria: Ambry Variant Classification Scheme 2023. Collection method: clinical testing. Allele origin: germline.